The following is an entry in ClinVar:

ClinVar aggregate classification (germline): Conflicting classifications of pathogenicity. Review status: criteria provided, conflicting classifications (1 of 4 stars). 4 submissions from 4 submitters: Uncertain significance (1); Likely benign (3). Last evaluated 2025-12-14.

Conditions:
Charcot-Marie-Tooth disease type 2. Also called: Charcot-Marie-Tooth type 2. Identifiers: Orphanet 64746, MedGen C0270914, MONDO:0018993.
Cardiovascular phenotype. Identifiers: MedGen CN230736.

Allele frequency attached by ClinVar (database versions not stated): gnomAD 0.00001; TOPMed 0.00001.
gnomAD v4.1: 1 of 1,589,462 alleles (0.000063%); highest among the groups gnomAD compares: African/African-American, 0.0013%; no homozygotes.

Submissions (4):

Labcorp Genetics (formerly Invitae), Labcorp
Classification: Likely benign for Charcot-Marie-Tooth disease type 2. Last evaluated: 2025-12-14. Review status: criteria provided, single submitter. Criteria: Invitae Variant Classification Sherloc (09022015). Collection method: clinical testing. Allele origin: germline.

Ambry Genetics
Classification: Likely benign for Cardiovascular phenotype. Last evaluated: 2019-07-11. Review status: criteria provided, single submitter. Criteria: Ambry Variant Classification Scheme 2023. Collection method: clinical testing. Allele origin: germline.

GeneDx
Classification: Likely benign. Last evaluated: 2018-04-20. Review status: criteria provided, single submitter. Criteria: GeneDx Variant Classification (06012015). Collection method: clinical testing. Allele origin: germline. Affected: yes.
Comment: This variant is considered likely benign or benign based on one or more of the following criteria: it is a conservative change, it occurs at a poorly conserved position in the protein, it is predicted to be benign by multiple in silico algorithms, and/or has population frequency not consistent with disease.

Eurofins Ntd Llc (ga)
Classification: Uncertain significance. Last evaluated: 2016-01-22. Review status: criteria provided, single submitter. Criteria: EGL Classification Definitions 2015. Collection method: clinical testing. Allele origin: germline. Observed: 1 variant allele, 1 heterozygote.

NM_170707.4(LMNA):c.498G>A (p.Arg166=)

Genes: LMNA (lamin A/C; plus strand), LOC126805877 (MED14-independent group 3 enhancer GRCh37_chr1:156099693-156100892; plus strand). Cytogenetic location: 1q22.
Variant type: single nucleotide variant.
Coding change: c.498G>A on transcript NM_170707.4 (MANE Select); coding-DNA position 498, G replaced by A.
Protein change: p.Arg166=; no amino-acid change (arginine 166 retained).
Molecular consequence: synonymous variant.
Genome position (GRCh38, 1-based): chr1:156,130,758, G>A. VCF-style: chr1-156130758-G-A. GRCh37 (hg19) VCF-style: chr1-156100549-G-A.
Other names: c.162G>A, p.Arg54= (NM_001257374.3); c.255G>A, p.Arg85= (NM_001282624.2); c.498G>A, p.Arg166= (NM_001282625.2, NM_001282626.2, NM_005572.4 and 1 more transcripts).
Identifiers: ClinVar variation 285725 (VCV000285725.17), dbSNP rs886043189, ClinGen allele CA10605219.